The following is an entry in ClinVar:

ClinVar aggregate classification (germline): Conflicting classifications of pathogenicity. Review status: criteria provided, conflicting classifications (1 of 4 stars). 16 submissions from 12 submitters: Uncertain significance (4); Benign (5); Likely benign (4). 3 of the submissions do not count toward it. Last evaluated 2025-12-30.

Conditions:
TTN-related disorder. Also called: TTN-related condition; TTN-related disease; TTN-related disorders.
Cardiovascular phenotype. Identifiers: MedGen CN230736.
Dilated cardiomyopathy 1G (CMD1G). Identifiers: Orphanet 154, MedGen C1858763, MONDO:0011400, OMIM 604145.
Autosomal recessive limb-girdle muscular dystrophy type 2J (LGMDR10). Also called: Limb-girdle muscular dystrophy, type 2J; MUSCULAR DYSTROPHY, LIMB-GIRDLE, AUTOSOMAL RECESSIVE 10. Identifiers: Orphanet 140922, MedGen C1837342, MONDO:0012127, OMIM 608807.
Cardiomyopathy (CMYO). Also called: Cardiomyopathies. Identifiers: Orphanet 167848, MedGen C0878544, MONDO:0004994, HP:0001638. Inheritance: Various modes of inheritance.
Early-onset myopathy with fatal cardiomyopathy (CMYO5). Also called: Salih Myopathy; CONGENITAL MYOPATHY 5 WITH CARDIOMYOPATHY. Identifiers: Orphanet 289377, MedGen C2673677, MONDO:0012714, OMIM 611705. Disease mechanism: loss of function.
Myopathy, myofibrillar, 9, with early respiratory failure (MFM9). Also called: Hereditary myopathy with early respiratory failure; Myopathy, distal, with early respiratory failure, autosomal dominant; EDSTROM MYOPATHY; MYOPATHY, PROXIMAL, WITH EARLY RESPIRATORY MUSCLE INVOLVEMENT. Identifiers: Orphanet 178464, Orphanet 34521, MedGen C1863599, MONDO:0011362, OMIM 603689.
Tibial muscular dystrophy (TMD). Also called: Udd Distal Myopathy – Tibial Muscular Dystrophy; Tibial muscular dystrophy, tardive; UDD MYOPATHY. Identifiers: Orphanet 609, MedGen C1838244, MONDO:0010870, OMIM 600334.

Allele frequency attached by ClinVar (database versions not stated): TOPMed below 0.00001; gnomAD 0.00001 and 0.00017; gnomAD exomes 0.00037 and 0.00089; 1000 Genomes Project 0.00040; 1000 Genomes Project 30x 0.00078; ExAC 0.00090.
gnomAD v4.1: 576 of 1,613,182 alleles (0.036%); highest among the groups gnomAD compares: South Asian, 0.6%; 10 homozygotes.

Submissions (16):

Labcorp Genetics (formerly Invitae), Labcorp
Classification: Benign for Dilated cardiomyopathy 1G; Autosomal recessive limb-girdle muscular dystrophy type 2J. Last evaluated: 2025-12-30. Review status: criteria provided, single submitter. Criteria: Invitae Variant Classification Sherloc (09022015). Collection method: clinical testing. Allele origin: germline.

Molecular Diagnostic Laboratory for Inherited Cardiovascular Disease, Montreal Heart Institute
Classification: Likely benign. Last evaluated: 2025-04-09. Review status: criteria provided, single submitter. Criteria: ACMG Guidelines, 2015. Collection method: clinical testing. Allele origin: germline. Affected: no.

CeGaT Center for Human Genetics Tuebingen
Classification: Likely benign. Last evaluated: 2024-05-01. Review status: criteria provided, single submitter. Criteria: CeGaT Center For Human Genetics Tuebingen Variant Classification Criteria Version 2. Collection method: clinical testing. Allele origin: germline. Affected: yes. Observed: 6 variant alleles.
Comment: TTN: BS2

GeneDx
Classification: Benign. Last evaluated: 2021-04-12. Review status: criteria provided, single submitter. Criteria: GeneDx Variant Classification Process June 2021. Collection method: clinical testing. Allele origin: germline. Affected: yes.
Comment: This variant is associated with the following publications: (PMID: 24503780)

Ambry Genetics
Classification: Likely benign for Cardiovascular phenotype. Last evaluated: 2020-01-07. Review status: criteria provided, single submitter. Criteria: Ambry Variant Classification Scheme 2023. Collection method: clinical testing. Allele origin: germline.

CHEO Genetics Diagnostic Laboratory, Children's Hospital of Eastern Ontario
Classification: Benign for Cardiomyopathy. Last evaluated: 2018-07-31. Review status: criteria provided, single submitter. Criteria: ACMG Guidelines, 2015. Collection method: clinical testing. Allele origin: germline.

Illumina Laboratory Services, Illumina
Classification: Uncertain significance for Autosomal recessive limb-girdle muscular dystrophy type 2J. Last evaluated: 2018-01-12. Review status: criteria provided, single submitter. Criteria: ICSL Variant Classification Criteria 13 December 2019. Collection method: clinical testing. Allele origin: germline.

Illumina Laboratory Services, Illumina
Classification: Uncertain significance for Dilated cardiomyopathy 1G. Last evaluated: 2018-01-12. Review status: criteria provided, single submitter. Criteria: ICSL Variant Classification Criteria 13 December 2019. Collection method: clinical testing. Allele origin: germline.

Illumina Laboratory Services, Illumina
Classification: Benign for Myopathy, myofibrillar, 9, with early respiratory failure. Last evaluated: 2018-01-12. Review status: criteria provided, single submitter. Criteria: ICSL Variant Classification Criteria 13 December 2019. Collection method: clinical testing. Allele origin: germline.
Comment: This variant was observed in the ICSL laboratory as part of a predisposition screen in an ostensibly healthy population. It had not been previously curated by ICSL or reported in the Human Gene Mutation Database (HGMD: prior to June 1st, 2018), and was therefore a candidate for classification through an automated scoring system. Utilizing variant allele frequency, disease prevalence and penetrance estimates, and inheritance mode, an automated score was calculated to assess if this variant is too frequent to cause the disease. Based on the score and internal cut-off values, a variant classified as benign is not then subjected to further curation. The score for this variant resulted in a classification of benign for this disease.

Illumina Laboratory Services, Illumina
Classification: Uncertain significance for Early-onset myopathy with fatal cardiomyopathy. Last evaluated: 2018-01-12. Review status: criteria provided, single submitter. Criteria: ICSL Variant Classification Criteria 13 December 2019. Collection method: clinical testing. Allele origin: germline.

Illumina Laboratory Services, Illumina
Classification: Benign for Tibial muscular dystrophy. Last evaluated: 2018-01-12. Review status: criteria provided, single submitter. Criteria: ICSL Variant Classification Criteria 13 December 2019. Collection method: clinical testing. Allele origin: germline.
Comment: the same text as in the submission from Illumina Laboratory Services, Illumina above.

Eurofins Ntd Llc (ga)
Classification: Likely benign. Last evaluated: 2016-09-13. Review status: criteria provided, single submitter. Criteria: EGL Classification Definitions 2015. Collection method: clinical testing. Allele origin: germline. Observed: 1 variant allele, 1 heterozygote.

Laboratory for Molecular Medicine, Mass General Brigham Personalized Medicine
Classification: Uncertain significance. Last evaluated: 2013-08-11. Review status: criteria provided, single submitter. Criteria: LMM Criteria. Collection method: clinical testing. Allele origin: germline. Observed: 2 variant alleles.
Comment: Variant classified as Uncertain Significance - Favor Benign. This variant has not been identified in large popul ation studies. Computational analyses (biochemical amino acid properties, conser vation, AlignGVGD, PolyPhen2, and SIFT) suggest that this variant may not impact the protein, though this information is not predictive enough to rule out patho genicity. Additional information is needed to fully assess the clinical signific ance of this variant.

PreventionGenetics, part of Exact Sciences
Classification: Likely benign for TTN-related condition. Last evaluated: 2020-09-09. Review status: no assertion criteria provided. Collection method: clinical testing. Allele origin: germline. Not counted in ClinVar's aggregate classification.
Comment: This variant is classified as likely benign based on ACMG/AMP sequence variant interpretation guidelines (Richards et al. 2015 PMID: 25741868, with internal and published modifications).

Clinical Genetics DNA and cytogenetics Diagnostics Lab, Erasmus MC, Erasmus Medical Center
Classification: Likely benign. Review status: no assertion criteria provided. Collection method: clinical testing. Allele origin: germline. Affected: yes. Study: VKGL Data-share Consensus. Not counted in ClinVar's aggregate classification.

Clinical Genetics, Academic Medical Center
Classification: Benign. Review status: no assertion criteria provided. Collection method: clinical testing. Allele origin: germline. Affected: yes. Study: VKGL Data-share Consensus. Not counted in ClinVar's aggregate classification.

NM_001267550.2(TTN):c.53260T>C (p.Phe17754Leu)

Genes: TTN (titin; minus strand), TTN-AS1 (TTN antisense RNA 1; plus strand), LOC126806425 (BRD4-independent group 4 enhancer GRCh37_chr2:179471933-179473132; plus strand). Cytogenetic location: 2q31.2.
Variant type: single nucleotide variant.
Coding change: c.53260T>C on transcript NM_001267550.2 (MANE Select); coding-DNA position 53260, T replaced by C.
Protein change: p.Phe17754Leu; replaces phenylalanine 17754 with leucine.
Molecular consequence: missense variant.
Genome position (GRCh38, 1-based): chr2:178,607,428, A>G on the plus strand (T>C on the coding strand, the complement: TTN is on the minus strand). VCF-style: chr2-178607428-A-G. GRCh37 (hg19) VCF-style: chr2-179472155-A-G.
Other names: p.F16113L:TTT>CTT; c.48337T>C, p.Phe16113Leu (NM_001256850.1); c.45556T>C, p.Phe15186Leu (NM_133378.4); c.26065T>C, p.Phe8689Leu (NM_003319.4); c.26440T>C, p.Phe8814Leu (NM_133432.3); c.26641T>C, p.Phe8881Leu (NM_133437.4); short protein forms F17754L, F15186L, F16113L, F8689L, F8814L, F8881L.
Identifiers: ClinVar variation 47075 (VCV000047075.62), dbSNP rs397517612, ClinGen allele CA139925.